The following is an entry in ClinVar:

NM_000179.3(MSH6):c.458-5dup

Gene: MSH6 (mutS homolog 6; plus strand). Cytogenetic location: 2p16.3.
Variant type: Duplication.
Coding change: c.458-5dup on transcript NM_000179.3 (MANE Select); 5 bases into the intron before coding-DNA position 458, one base duplicated (T; older notation c.458-5dupT).
Molecular consequence: intron variant. On other transcripts: 5 prime UTR variant (1).
Genome position (GRCh38, 1-based): chr2:47,795,889, T duplicated; the last of 3 consecutive T bases (chr2:47,795,887-47,795,889); duplicating any one gives the same sequence. VCF-style (leftmost placement, unchanged base first): chr2-47795886-C-CT. GRCh37 (hg19) VCF-style: chr2-48023025-C-CT.
Other names: c.290-5dup (NM_001406826.1); c.161-5dup (NM_001406825.1, NM_001406819.1, NM_001406822.1 and 10 more transcripts); c.-279-2722dup (NM_001406829.1, NM_001406823.1, NM_001406811.1 and 4 more transcripts); c.-445-5dup (NM_001281494.2); c.-73dup (NM_001406807.1); c.458-5dup (NM_001406809.1, NM_001406796.1, NM_001406808.1 and 5 more transcripts); c.554-5dup (NM_001406795.1, NM_001406802.1); c.464-5dup (NM_001406813.1); and 4 more.
Identifiers: ClinVar variation 3904526 (VCV003904526.1).

ClinVar aggregate classification (germline): Likely benign (1 of 4 stars; one submission).

Conditions:
Lynch syndrome 5 (LYNCH5). Also called: Colorectal cancer, hereditary nonpolyposis, type 5; Hereditary non-polyposis colorectal cancer, type 5. Identifiers: Orphanet 144, MedGen C1833477, MONDO:0013710, OMIM 614350. Disease mechanism: loss of function.

Submission:

Myriad Genetics, Inc.
Classification: Likely benign for Lynch syndrome 5. Last evaluated: 2024-12-18. Review status: criteria provided, single submitter. Criteria: Myriad Autosomal Dominant, Autosomal Recessive and X-Linked Classification Criteria (2023). Collection method: clinical testing. Allele origin: unknown.
Comment: This variant is considered likely benign. This variant is intronic and is not expected to impact mRNA splicing.